The following is an entry in ClinVar:

ClinVar aggregate classification (germline): Uncertain significance (1 of 4 stars; one submission).

Submission:

Ambry Genetics
Classification: Uncertain significance. Last evaluated: 2023-04-14. Review status: criteria provided, single submitter. Criteria: Ambry Variant Classification Scheme 2023. Collection method: clinical testing. Allele origin: germline.
Comment: The c.3726G>A variant (also known as p.Q1242Q), located in coding exon 33 of the KIF1B gene, results from a G to A substitution at nucleotide position 3726. This nucleotide substitution does not change the at codon 1242. However, this change occurs in the last base pair of coding exon 33, which makes it likely to have some effect on normal mRNA splicing. This nucleotide position is highly conserved in available vertebrate species. In silico splice site analysis predicts that this alteration will weaken the native splice donor site. The evidence for this gene-disease relationship is limited; therefore, the clinical significance of this alteration is unclear.

NM_001365951.3(KIF1B):c.3864G>A (p.Gln1288=)

Gene: KIF1B (kinesin family member 1B; plus strand). Cytogenetic location: 1p36.22.
Variant type: single nucleotide variant.
Coding change: c.3864G>A on transcript NM_001365951.3 (MANE Select); coding-DNA position 3864, G replaced by A.
Protein change: p.Gln1288=; no amino-acid change (glutamine 1288 retained).
Molecular consequence: synonymous variant.
Genome position (GRCh38, 1-based): chr1:10,347,827, G>A. VCF-style: chr1-10347827-G-A. GRCh37 (hg19) VCF-style: chr1-10407885-G-A.
Other names: c.3864G>A, p.Gln1288= (NM_001365952.1); c.3726G>A, p.Gln1242= (NM_015074.3).
Identifiers: ClinVar variation 2563598 (VCV002563598.2), dbSNP rs2521792235, ClinGen allele CA415885138.